The following is an entry in ClinVar:

ClinVar aggregate classification (germline): Uncertain significance. Review status: criteria provided, single submitter (1 of 4 stars). 2 submissions from 2 submitters: Uncertain significance (1). 1 of the submissions does not count toward it. Last evaluated 2020-09-09.

Conditions:
Developmental and epileptic encephalopathy 94 (DEE94). Also called: Epileptic encephalopathy, childhood-onset; CHD2-Related Neurodevelopmental Disorders. Identifiers: Orphanet 1942, Orphanet 2382, MedGen C3809278, MONDO:0014150, OMIM 615369.

Allele frequency attached by ClinVar (database versions not stated): gnomAD exomes below 0.00001.
gnomAD v4.1: 2 of 1,613,504 alleles (0.00012%); highest among the groups gnomAD compares: East Asian, 0.0022%; no homozygotes.

Submissions (2):

Labcorp Genetics (formerly Invitae), Labcorp
Classification: Uncertain significance for Developmental and epileptic encephalopathy 94. Last evaluated: 2020-09-09. Review status: criteria provided, single submitter. Criteria: Invitae Variant Classification Sherloc (09022015). Collection method: clinical testing. Allele origin: germline.
Comment: In summary, the available evidence is currently insufficient to determine the role of this variant in disease. Therefore, it has been classified as a Variant of Uncertain Significance. Algorithms developed to predict the effect of missense changes on protein structure and function are either unavailable or do not agree on the potential impact of this missense change (SIFT: "Deleterious"; PolyPhen-2: "Benign"; Align-GVGD: "Class C45"). This variant has not been reported in the literature in individuals with CHD2-related conditions. This variant is not present in population databases (ExAC no frequency). This sequence change replaces arginine with glycine at codon 178 of the CHD2 protein (p.Arg178Gly). The arginine residue is highly conserved and there is a moderate physicochemical difference between arginine and glycine.

Bioscientia Institut fuer Medizinische Diagnostik GmbH, Sonic Healthcare
Classification: Uncertain significance for Developmental and epileptic encephalopathy 94. Last evaluated: 2019-06-25. Review status: no assertion criteria provided. Collection method: clinical testing. Allele origin: germline. Affected: yes. Not counted in ClinVar's aggregate classification.

NM_001271.4(CHD2):c.532A>G (p.Arg178Gly)

Gene: CHD2 (chromodomain helicase DNA binding protein 2; plus strand). Cytogenetic location: 15q26.1.
Variant type: single nucleotide variant.
Coding change: c.532A>G on transcript NM_001271.4 (MANE Select); coding-DNA position 532, A replaced by G.
Protein change: p.Arg178Gly; replaces arginine 178 with glycine.
Molecular consequence: missense variant.
Genome position (GRCh38, 1-based): chr15:92,937,606, A>G. VCF-style: chr15-92937606-A-G. GRCh37 (hg19) VCF-style: chr15-93480836-A-G.
Other names: c.532A>G, p.Arg178Gly (NM_001042572.3); short protein forms R178G.
Identifiers: ClinVar variation 829865 (VCV000829865.11), dbSNP rs1596390679, ClinGen allele CA393899904.